The following is an entry in ClinVar:

NM_014254.3(RXYLT1):c.476T>C (p.Val159Ala)

Gene: RXYLT1 (ribitol xylosyltransferase 1; plus strand). Cytogenetic location: 12q14.2.
Variant type: single nucleotide variant.
Coding change: c.476T>C on transcript NM_014254.3 (MANE Select); coding-DNA position 476, T replaced by C.
Protein change: p.Val159Ala; replaces valine 159 with alanine.
Molecular consequence: missense variant. On other transcripts: 5 prime UTR variant (1).
Genome position (GRCh38, 1-based): chr12:63,802,138, T>C. VCF-style: chr12-63802138-T-C. GRCh37 (hg19) VCF-style: chr12-64195918-T-C.
Other names: c.-305T>C (NM_001278237.2); c.476T>C (NM_014254.1); short protein forms V159A.
Identifiers: ClinVar variation 1480968 (VCV001480968.5), dbSNP rs370658849, ClinGen allele CA6666118.

ClinVar aggregate classification (germline): Uncertain significance. Review status: criteria provided, multiple submitters, no conflicts (2 of 4 stars). 2 submissions from 2 submitters: Uncertain significance (2). Last evaluated 2025-01-18.

Conditions:
Inborn genetic diseases. Identifiers: MedGen C0950123, MeSH D030342.

Allele frequency attached by ClinVar (database versions not stated): gnomAD exomes 0.00001 and 0.00002; ExAC 0.00002; gnomAD 0.00005; TOPMed 0.00008; ESP Exome Variant Server 0.00015.

Submissions (2):

Ambry Genetics
Classification: Uncertain significance for Inborn genetic diseases. Last evaluated: 2025-01-18. Review status: criteria provided, single submitter. Criteria: Ambry Variant Classification Scheme 2023. Collection method: clinical testing. Allele origin: germline.

Labcorp Genetics (formerly Invitae), Labcorp
Classification: Uncertain significance. Last evaluated: 2024-10-18. Review status: criteria provided, single submitter. Criteria: Invitae Variant Classification Sherloc (09022015). Collection method: clinical testing. Allele origin: germline.
Comment: This sequence change replaces valine, which is neutral and non-polar, with alanine, which is neutral and non-polar, at codon 159 of the RXYLT1 protein (p.Val159Ala). This variant is present in population databases (rs370658849, gnomAD 0.02%). This variant has not been reported in the literature in individuals affected with RXYLT1-related conditions. ClinVar contains an entry for this variant (Variation ID: 1480968). Invitae Evidence Modeling of protein sequence and biophysical properties (such as structural, functional, and spatial information, amino acid conservation, physicochemical variation, residue mobility, and thermodynamic stability) indicates that this missense variant is not expected to disrupt RXYLT1 protein function with a negative predictive value of 80%. In summary, the available evidence is currently insufficient to determine the role of this variant in disease. Therefore, it has been classified as a Variant of Uncertain Significance.